The following is an entry in ClinVar:

NM_000217.3(KCNA1):c.341C>T (p.Ser114Phe)

Gene: KCNA1 (potassium voltage-gated channel subfamily A member 1; plus strand). Cytogenetic location: 12p13.32.
Variant type: single nucleotide variant.
Coding change: c.341C>T on transcript NM_000217.3 (MANE Select); coding-DNA position 341, C replaced by T.
Protein change: p.Ser114Phe; replaces serine 114 with phenylalanine.
Molecular consequence: missense variant.
Genome position (GRCh38, 1-based): chr12:4,911,719, C>T. VCF-style: chr12-4911719-C-T. GRCh37 (hg19) VCF-style: chr12-5020885-C-T.
Other names: short protein forms S114F.
Identifiers: ClinVar variation 661566 (VCV000661566.10), dbSNP rs1591627522, ClinGen allele CA383454338.

ClinVar aggregate classification (germline): Uncertain significance (1 of 4 stars; one submission).

Conditions:
Episodic ataxia type 1 (EA1). Also called: MYOKYMIA WITH PERIODIC ATAXIA; PAROXYSMAL ATAXIA WITH NEUROMYOTONIA, HEREDITARY; Episodic ataxia/myokymia syndrome; ATAXIA, EPISODIC, WITH MYOKYMIA. Identifiers: Orphanet 37612, Orphanet 972, MedGen C1719788, MONDO:0008047, OMIM 160120.

Allele frequency attached by ClinVar (database versions not stated): gnomAD exomes below 0.00001.

Submission:

Labcorp Genetics (formerly Invitae), Labcorp
Classification: Uncertain significance for Episodic ataxia type 1. Last evaluated: 2022-08-16. Review status: criteria provided, single submitter. Criteria: Invitae Variant Classification Sherloc (09022015). Collection method: clinical testing. Allele origin: germline.
Comment: In summary, the available evidence is currently insufficient to determine the role of this variant in disease. Therefore, it has been classified as a Variant of Uncertain Significance. Algorithms developed to predict the effect of missense changes on protein structure and function (SIFT, PolyPhen-2, Align-GVGD) all suggest that this variant is likely to be disruptive. ClinVar contains an entry for this variant (Variation ID: 661566). This variant has not been reported in the literature in individuals affected with KCNA1-related conditions. This variant is not present in population databases (gnomAD no frequency). This sequence change replaces serine, which is neutral and polar, with phenylalanine, which is neutral and non-polar, at codon 114 of the KCNA1 protein (p.Ser114Phe).